The following is an entry in ClinVar:

ClinVar aggregate classification (germline): Uncertain significance (1 of 4 stars; one submission).

Conditions:
Catecholaminergic polymorphic ventricular tachycardia 1. Also called: VENTRICULAR TACHYCARDIA, CATECHOLAMINERGIC POLYMORPHIC, 1, WITH OR WITHOUT ATRIAL DYSFUNCTION AND/OR DILATED CARDIOMYOPATHY; RYR2-Related Catecholaminergic Polymorphic Ventricular Tachycardia; VENTRICULAR TACHYCARDIA, STRESS-INDUCED POLYMORPHIC 1. Identifiers: Orphanet 3286, MedGen C1631597, MONDO:0011484, OMIM 604772.

Allele frequency attached by ClinVar (database versions not stated): TOPMed below 0.00001; gnomAD 0.00001.
gnomAD v4.1: 4 of 1,542,378 alleles (0.00026%); highest among the groups gnomAD compares: East Asian, 0.0024%; no homozygotes.

Submission:

Labcorp Genetics (formerly Invitae), Labcorp
Classification: Uncertain significance for Catecholaminergic polymorphic ventricular tachycardia 1. Last evaluated: 2021-11-29. Review status: criteria provided, single submitter. Criteria: Invitae Variant Classification Sherloc (09022015). Collection method: clinical testing. Allele origin: germline.
Comment: This sequence change falls in intron 9 of the TRDN gene. It does not directly change the encoded amino acid sequence of the TRDN protein. It affects a nucleotide within the consensus splice site. The frequency data for this variant in the population databases is considered unreliable, as metrics indicate poor data quality at this position in the gnomAD database. This variant has not been reported in the literature in individuals affected with TRDN-related conditions. Variants that disrupt the consensus splice site are a relatively common cause of aberrant splicing (PMID: 17576681, 9536098). Algorithms developed to predict the effect of sequence changes on RNA splicing suggest that this variant is not likely to affect RNA splicing. In summary, the available evidence is currently insufficient to determine the role of this variant in disease. Therefore, it has been classified as a Variant of Uncertain Significance.

Literature cited by the submitters: PubMed 17576681; PubMed 9536098.

NM_006073.4(TRDN):c.853+6C>A

Gene: TRDN (triadin; minus strand). Cytogenetic location: 6q22.31.
Variant type: single nucleotide variant.
Coding change: c.853+6C>A on transcript NM_006073.4 (MANE Select); 6 bases into the intron after coding-DNA position 853, C replaced by A.
Molecular consequence: intron variant.
Genome position (GRCh38, 1-based): chr6:123,497,187, G>T on the plus strand (C>A on the coding strand, the complement: TRDN is on the minus strand). VCF-style: chr6-123497187-G-T. GRCh37 (hg19) VCF-style: chr6-123818332-G-T.
Other names: c.853+6C>A (NM_001251987.2); c.793+6532C>A (NM_001256020.2).
Identifiers: ClinVar variation 1442094 (VCV001442094.4), dbSNP rs1331217957, ClinGen allele CA570333375.
Genomic context (GRCh38, chr6:123,497,187, plus strand): 5'-AAAAAGCCCACAATCTTAGAAACAAAGACTATTAAAACAGACAAGTACAAGAATTGCTTG[G>T]AATACCTGGTTTTAAATCCCCATGGACAAATATGTCAATCATATATCGACAGAATGCATA-3'